The following is an entry in ClinVar:

NM_000035.4(ALDOB):c.612T>G (p.Tyr204Ter)

Gene: ALDOB (aldolase, fructose-bisphosphate B; minus strand). Cytogenetic location: 9q31.1.
Variant type: single nucleotide variant.
Coding change: c.612T>G on transcript NM_000035.4 (MANE Select); coding-DNA position 612, T replaced by G.
Protein change: p.Tyr204Ter; replaces tyrosine 204 with a stop codon.
Molecular consequence: nonsense.
Genome position (GRCh38, 1-based): chr9:101,426,567, A>C on the plus strand (T>G on the coding strand, the complement: ALDOB is on the minus strand). VCF-style: chr9-101426567-A-C. GRCh37 (hg19) VCF-style: chr9-104188849-A-C.
Other names: c.612T>G, p.Tyr204Ter (LRG_1244t1); short protein forms Y204*.
Identifiers: ClinVar variation 632627 (VCV000632627.14), dbSNP rs370793608, ClinGen allele CA374265000.

ClinVar aggregate classification (germline): Pathogenic. Review status: criteria provided, multiple submitters, no conflicts (2 of 4 stars). 6 submissions from 6 submitters: Pathogenic (4). 2 of the submissions do not count toward it. Last evaluated 2024-12-01.

Conditions:
Hereditary fructosuria. Also called: Fructose intolerance; ALDOB DEFICIENCY; ALDOLASE B DEFICIENCY; FRUCTOSE-1,6-BISPHOSPHATE ALDOLASE B DEFICIENCY; FRUCTOSE-1-PHOSPHATE ALDOLASE DEFICIENCY; FRUCTOSEMIA. Identifiers: Orphanet 469, MedGen C0016751, MONDO:0009249, OMIM 229600, HP:0005973. Disease mechanism: loss of function.

Submissions (6):

Natera, Inc.
Classification: Pathogenic for Fructose intolerance. Last evaluated: 2024-12-01. Review status: criteria provided, single submitter. Criteria: Natera Variant Classification Schema (03/2026). Collection method: clinical testing. Allele origin: germline.
Comment: The c.612T>G variant in ALDOB is a nonsense variant predicted to introduce a stop codon at amino acid 204. This variant is expected to result in nonsense mediated decay, truncation, or a dysfunctional protein product. This variant is rare in the general population with a frequency below the threshold expected for the associated phenotype(s). This variant has been observed in one or more individuals affected with the associated recessive disease, as either homozygous or compound heterozygous with a second variant (PMID: 15880727, 16630753). Given the available evidence, this variant is classified as Pathogenic.

Baylor Genetics
Classification: Pathogenic for Hereditary fructosuria. Last evaluated: 2023-05-30. Review status: criteria provided, single submitter. Criteria: ACMG Guidelines, 2015. Collection method: clinical testing. Allele origin: unknown.

Labcorp Genetics (formerly Invitae), Labcorp
Classification: Pathogenic for Hereditary fructosuria. Last evaluated: 2023-03-18. Review status: criteria provided, single submitter. Criteria: Invitae Variant Classification Sherloc (09022015). Collection method: clinical testing. Allele origin: germline.
Comment: For these reasons, this variant has been classified as Pathogenic. ClinVar contains an entry for this variant (Variation ID: 632627). This premature translational stop signal has been observed in individual(s) with hereditary fructose intolerance (PMID: 15880727). This variant is not present in population databases (gnomAD no frequency). This sequence change creates a premature translational stop signal (p.Tyr204*) in the ALDOB gene. It is expected to result in an absent or disrupted protein product. Loss-of-function variants in ALDOB are known to be pathogenic (PMID: 18541450).

Women's Health and Genetics/Laboratory Corporation of America, LabCorp
Classification: Pathogenic for Hereditary fructosuria. Last evaluated: 2018-05-25. Review status: criteria provided, single submitter. Criteria: LabCorp Variant Classification Summary - May 2015. Collection method: clinical testing. Allele origin: germline.
Comment: Variant summary: ALDOB c.612T>G (p.Tyr204X) results in a premature termination codon, predicted to cause a truncation of the encoded protein or absence of the protein due to nonsense mediated decay, which are commonly known mechanisms for disease. The variant was absent in 250130 control chromosomes (gnomAD and publications). The variant, c.612T>G, has been reported in the literature in individuals affected with Hereditary Fructose Intolerance (Santer_2005, Gruchota_2006, Ferri_2012). These data indicate that the variant may be associated with disease. To our knowledge, no experimental evidence demonstrating an impact on protein function has been reported. No clinical diagnostic laboratories have submitted clinical-significance assessments for this variant to ClinVar after 2014. EGL Genetics classified this variant as pathogenic. The c.612T>A variant, causing the same codon change Y204X, has been reported in multiple affected individuals and classified as pathogenic/likely pathogenic by multiple clinical labs via ClinVar. Based on the evidence outlined above, the variant was classified as pathogenic.

ATS em Genética Clínica, Universidade Federal do Rio Grande do Sul
Classification: Likely pathogenic for Hereditary fructosuria. Last evaluated: 2021-03-18. Review status: no assertion criteria provided. Collection method: literature only. Allele origin: unknown. Affected: yes. Not counted in ClinVar's aggregate classification.

GeneReviews
No classification provided. Condition: Hereditary fructosuria. Review status: no classification provided. Collection method: literature only. Allele origin: germline. Not counted in ClinVar's aggregate classification.

Literature cited by the submitters: PubMed 15880727 (cited by 5 submitters); PubMed 16630753 (cited by Natera, Inc.); PubMed 18541450 (cited by Labcorp Genetics (formerly Invitae), Labcorp); PubMed 23430936 (cited by Women's Health and Genetics/Laboratory Corporation of America, LabCorp); PubMed 16406649 (cited by Women's Health and Genetics/Laboratory Corporation of America, LabCorp).